The following is an entry in ClinVar:

ClinVar aggregate classification (germline): Uncertain significance (1 of 4 stars; one submission).

Submission:

CeGaT Center for Human Genetics Tuebingen
Classification: Uncertain significance. Last evaluated: 2026-06-01. Review status: criteria provided, single submitter. Criteria: CeGaT Center For Human Genetics Tuebingen Variant Classification Criteria Version 2. Collection method: clinical testing. Allele origin: germline. Affected: yes. Observed: 1 variant allele.
Comment: ABCB4: PM2, BP4

NM_000443.4(ABCB4):c.286+5G>C

Gene: ABCB4 (ATP binding cassette subfamily B member 4; minus strand). Cytogenetic location: 7q21.12.
Variant type: single nucleotide variant.
Coding change: c.286+5G>C on transcript NM_000443.4 (MANE Select); 5 bases into the intron after coding-DNA position 286, G replaced by C.
Molecular consequence: intron variant.
Genome position (GRCh38, 1-based): chr7:87,462,753, C>G on the plus strand (G>C on the coding strand, the complement: ABCB4 is on the minus strand). VCF-style: chr7-87462753-C-G. GRCh37 (hg19) VCF-style: chr7-87092069-C-G.
Other names: c.286+5G>C (NM_018850.3, NM_018849.3).
Identifiers: ClinVar variation 4875336 (VCV004875336.2).